The following is an entry in ClinVar:

NM_001367624.2(ZNF469):c.7931G>A (p.Arg2644Gln)

Gene: ZNF469 (zinc finger protein 469; plus strand). Cytogenetic location: 16q24.2.
Variant type: single nucleotide variant.
Coding change: c.7931G>A on transcript NM_001367624.2 (MANE Select); coding-DNA position 7931, G replaced by A.
Protein change: p.Arg2644Gln; replaces arginine 2644 with glutamine.
Molecular consequence: missense variant.
Genome position (GRCh38, 1-based): chr16:88,435,401, G>A. VCF-style: chr16-88435401-G-A. GRCh37 (hg19) VCF-style: chr16-88501809-G-A.
Other names: NM_001127464.1:c.7847G>A; NM_001127464.2:c.7847G>A; short protein forms R2644Q.
Identifiers: ClinVar variation 126946 (VCV000126946.11), dbSNP rs281865152, ClinGen allele CA151331.

ClinVar aggregate classification (germline): Conflicting classifications of pathogenicity. Review status: criteria provided, conflicting classifications (1 of 4 stars). 6 submissions from 6 submitters: Uncertain significance (4); Likely benign (1). 1 of the submissions does not count toward it. Last evaluated 2026-08-10.

Conditions:
ZNF469-related disorder. Also called: ZNF469-related condition.
Cardiovascular phenotype. Identifiers: MedGen CN230736.
Keratoconus 1 (KTCN1). Identifiers: MedGen C1835677, MONDO:0007851, OMIM 148300.

Allele frequency attached by ClinVar (database versions not stated): ExAC 0.00005; TOPMed 0.00008; gnomAD 0.00010; 1000 Genomes Project 30x 0.00016.
gnomAD v4.1: 82 of 1,550,370 alleles (0.0053%); highest among the groups gnomAD compares: East Asian, 0.032%; no homozygotes.

Submissions (6):

GeneDx
Classification: Uncertain significance. Last evaluated: 2026-08-10. Review status: criteria provided, single submitter. Criteria: GeneDx Variant Classification Process June 2021. Collection method: clinical testing. Allele origin: germline.
Comment: In silico analysis suggests that this missense variant does not alter protein structure/function; Reported in an individual with keratoconus in published literature (PMID: 24895405); This variant is associated with the following publications: (PMID: 24895405)

PreventionGenetics, part of Exact Sciences
Classification: Uncertain significance for ZNF469-related condition. Last evaluated: 2026-03-17. Review status: criteria provided, single submitter. Criteria: ACMG Guidelines, 2015. Collection method: clinical testing. Allele origin: germline.
Comment: The ZNF469 c.7847G>A variant is predicted to result in the amino acid substitution p.Arg2616Gln. To our knowledge, this variant has not been reported in the literature in a patient with a ZNF469 related disorder. This variant is reported in 0.14% of alleles in individuals of Ashkenazi Jewish descent in gnomAD. Although we suspect that this variant may be benign, at this time, the clinical significance of this variant is uncertain due to the absence of conclusive functional and genetic evidence.

Women's Health and Genetics/Laboratory Corporation of America, LabCorp
Classification: Uncertain significance. Last evaluated: 2025-11-19. Review status: criteria provided, single submitter. Criteria: LabCorp Variant Classification Summary - May 2015. Collection method: clinical testing. Allele origin: germline.
Comment: Variant summary: ZNF469 c.7931G>A (p.Arg2644Gln) results in a conservative amino acid change in the encoded protein sequence. Algorithms developed to predict the effect of missense changes on protein structure and function all suggest that this variant is likely to be tolerated. The variant allele was found at a frequency of 9.1e-05 in 153704 control chromosomes. This frequency is not significantly higher than estimated for disease-causing variants in ZNF469, allowing no conclusion about variant significance. c.7931G>A has been observed in at least one individual affected with a ZNF469-related condition (example: Lechner_2014). This report does not provide unequivocal conclusions about association of the variant with Brittle cornea syndrome 1. To our knowledge, no experimental evidence demonstrating an impact on protein function has been reported. The following publication has been ascertained in the context of this evaluation (PMID: 24895405). ClinVar contains an entry for this variant (Variation ID: 126946). Based on the evidence outlined above, the variant was classified as uncertain significance.

Ambry Genetics
Classification: Likely benign for Cardiovascular phenotype. Last evaluated: 2024-07-17. Review status: criteria provided, single submitter. Criteria: Ambry Variant Classification Scheme 2023. Collection method: clinical testing. Allele origin: germline.

Labcorp Genetics (formerly Invitae), Labcorp
Classification: Uncertain significance. Last evaluated: 2022-06-22. Review status: criteria provided, single submitter. Criteria: Invitae Variant Classification Sherloc (09022015). Collection method: clinical testing. Allele origin: germline.
Comment: This sequence change replaces arginine, which is basic and polar, with glutamine, which is neutral and polar, at codon 2616 of the ZNF469 protein (p.Arg2616Gln). This variant is present in population databases (rs281865152, gnomAD 0.1%). This missense change has been observed in individual(s) with clinical features of ZNF469-related conditions (PMID: 24895405). ClinVar contains an entry for this variant (Variation ID: 126946). Algorithms developed to predict the effect of missense changes on protein structure and function output the following: SIFT: "Tolerated"; PolyPhen-2: "Benign"; Align-GVGD: "Class C0". The glutamine amino acid residue is found in multiple mammalian species, which suggests that this missense change does not adversely affect protein function. In summary, the available evidence is currently insufficient to determine the role of this variant in disease. Therefore, it has been classified as a Variant of Uncertain Significance.

Willoughby Group, Queen's University Belfast
Classification: Likely pathogenic for Keratoconus 1. Review status: no assertion criteria provided. Collection method: not provided. Allele origin: germline. Not counted in ClinVar's aggregate classification.
ClinVar note: Converted during submission from probable-pathogenic to Likely pathogenic.

Literature cited by the submitters: PubMed 24895405 (cited by 3 submitters).